The following is an entry in ClinVar:

NM_170707.4(LMNA):c.142C>G (p.Arg48Gly)

Gene: LMNA (lamin A/C; plus strand). Cytogenetic location: 1q22.
Variant type: single nucleotide variant.
Coding change: c.142C>G on transcript NM_170707.4 (MANE Select); coding-DNA position 142, C replaced by G.
Protein change: p.Arg48Gly; replaces arginine 48 with glycine.
Molecular consequence: missense variant.
Genome position (GRCh38, 1-based): chr1:156,115,060, C>G. VCF-style: chr1-156115060-C-G. GRCh37 (hg19) VCF-style: chr1-156084851-C-G.
Other names: c.142C>G, p.Arg48Gly (NM_001282625.2, NM_001282626.2, NM_005572.4 and 1 more transcripts); short protein forms R48G.
Identifiers: ClinVar variation 1386753 (VCV001386753.8), dbSNP rs769977710, ClinGen allele CA050260.
Genomic context (GRCh38, chr1:156,115,060, plus strand): 5'-CGGCTGCAGGAGAAGGAGGACCTGCAGGAGCTCAATGATCGCTTGGCGGTCTACATCGAC[C>G]GTGTGCGCTCGCTGGAAACGGAGAACGCAGGGCTGCGCCTTCGCATCACCGAGTCTGAAG-3'
Protein context (NP_733821.1, residues 38-58): LNDRLAVYID[Arg48Gly]VRSLETENAG

ClinVar aggregate classification (germline): Likely pathogenic (1 of 4 stars; one submission).

Conditions:
Charcot-Marie-Tooth disease type 2. Also called: Charcot-Marie-Tooth type 2. Identifiers: Orphanet 64746, MedGen C0270914, MONDO:0018993.

Allele frequency attached by ClinVar (database versions not stated): gnomAD exomes 0.00001 and 0.00002; ExAC 0.00004.
gnomAD v4.1: 7 of 1,593,834 alleles (0.00044%); highest among the groups gnomAD compares: East Asian, 0.011%; no homozygotes.

Submission:

Labcorp Genetics (formerly Invitae), Labcorp
Classification: Likely pathogenic for Charcot-Marie-Tooth disease type 2. Last evaluated: 2022-12-23. Review status: criteria provided, single submitter. Criteria: Invitae Variant Classification Sherloc (09022015). Collection method: clinical testing. Allele origin: germline.
Comment: In summary, the currently available evidence indicates that the variant is pathogenic, but additional data are needed to prove that conclusively. Therefore, this variant has been classified as Likely Pathogenic. This variant disrupts the p.Arg48 amino acid residue in LMNA. Other variant(s) that disrupt this residue have been determined to be pathogenic (PMID: 26098624). This suggests that this residue is clinically significant, and that variants that disrupt this residue are likely to be disease-causing. Advanced modeling of protein sequence and biophysical properties (such as structural, functional, and spatial information, amino acid conservation, physicochemical variation, residue mobility, and thermodynamic stability) performed at Invitae indicates that this missense variant is expected to disrupt LMNA protein function. ClinVar contains an entry for this variant (Variation ID: 1386753). This variant has not been reported in the literature in individuals affected with LMNA-related conditions. This variant is present in population databases (rs769977710, gnomAD 0.02%). This sequence change replaces arginine, which is basic and polar, with glycine, which is neutral and non-polar, at codon 48 of the LMNA protein (p.Arg48Gly).

Literature cited by the submitters: PubMed 26098624.